The following is an entry in ClinVar:

ClinVar aggregate classification (germline): Uncertain significance. Review status: criteria provided, multiple submitters, no conflicts (2 of 4 stars). 3 submissions from 3 submitters: Uncertain significance (3). Last evaluated 2023-03-07.

Conditions:
Hereditary cancer-predisposing syndrome. Also called: Tumor predisposition; Hereditary Cancer Syndrome; Hereditary neoplastic syndrome; Neoplastic Syndromes, Hereditary. Identifiers: Orphanet 140162, MedGen C0027672, MeSH D009386, MONDO:0015356.
Hereditary breast ovarian cancer syndrome. Also called: Breast and ovarian cancer; Hereditary breast and ovarian cancer; Hereditary breast and/or ovarian cancer syndrome; BRCA1- and BRCA2-Associated Hereditary Breast and Ovarian Cancer; Hereditary breast and ovarian cancer syndrome (HBOC); Hereditary breast and ovarian cancer syndrome. Identifiers: Orphanet 145, MedGen C0677776, MeSH D061325, MONDO:0003582. Disease mechanism: loss of function.

Submissions (3):

Labcorp Genetics (formerly Invitae), Labcorp
Classification: Uncertain significance for Hereditary breast ovarian cancer syndrome. Last evaluated: 2023-03-07. Review status: criteria provided, single submitter. Criteria: Invitae Variant Classification Sherloc (09022015). Collection method: clinical testing. Allele origin: germline.
Comment: This sequence change replaces tyrosine, which is neutral and polar, with cysteine, which is neutral and slightly polar, at codon 1625 of the BRCA1 protein (p.Tyr1625Cys). This variant is not present in population databases (gnomAD no frequency). This variant has not been reported in the literature in individuals affected with BRCA1-related conditions. ClinVar contains an entry for this variant (Variation ID: 182164). Advanced modeling of protein sequence and biophysical properties (such as structural, functional, and spatial information, amino acid conservation, physicochemical variation, residue mobility, and thermodynamic stability) performed at Invitae indicates that this missense variant is not expected to disrupt BRCA1 protein function. In summary, the available evidence is currently insufficient to determine the role of this variant in disease. Therefore, it has been classified as a Variant of Uncertain Significance.

Ambry Genetics
Classification: Uncertain significance for Hereditary cancer-predisposing syndrome. Last evaluated: 2015-12-28. Review status: criteria provided, single submitter. Criteria: Ambry Variant Classification Scheme 2023. Collection method: clinical testing. Allele origin: germline.
Comment: The p.Y1625C variant (also known as c.4874A>G), located in coding exon 14 of the BRCA1 gene, results from an A to G substitution at nucleotide position 4874. The tyrosine at codon 1625 is replaced by cysteine, an amino acid with highly dissimilar properties. This variant was not reported in population based cohorts in the following databases: Database of Single Nucleotide Polymorphisms (dbSNP), NHLBI Exome Sequencing Project (ESP), and 1000 Genomes Project. In the ESP, this variant was not observed in 6503 samples (13006 alleles) with coverage at this position. To date, this alteration has been detected with an allele frequency of approximately 0.0004% (greater than 225000 alleles tested) in our clinical cohort. This amino acid position is not well conserved in available vertebrate species. In addition, the in silico prediction for this alteration is inconclusive. Since supporting evidence is limited at this time, the clinical significance of p.Y1625C remains unclear.

GeneDx
Classification: Uncertain significance. Last evaluated: 2014-05-01. Review status: criteria provided, single submitter. Criteria: GeneDx Variant Classification (06012015). Collection method: clinical testing. Allele origin: germline. Affected: yes.
Comment: This variant is denoted BRCA1 c.4874A>G at the cDNA level, p.Tyr1625Cys (Y1625C) at the protein level, and results in the change of a Tyrosine to a Cysteine (TAT>TGT). This variant has not, to our knowledge, been published in the literature as pathogenic or benign. BRCA1 Tyr1625Cys was not observed in approximately 6,500 individuals of European and African American ancestry in the NHLBI Exome Sequencing Project, indicating it is not a common benign variant in these populations. Since Tyrosine and Cysteine differ in polarity, charge, size or other properties, this is considered a non-conservative amino acid substitution. BRCA1 Tyr1625Cys occurs at a position that is moderately conserved across species and is not located in a known functional domain. In silico analyses predict that this variant is unlikely to alter protein structure or function. Based on currently available information, it is unclear whether BRCA1 Tyr1625Cys is pathogenic or benign. We consider it to be a variant of uncertain significance.

NM_007294.4(BRCA1):c.4874A>G (p.Tyr1625Cys)

Gene: BRCA1 (BRCA1 DNA repair associated; minus strand). Cytogenetic location: 17q21.31.
Variant type: single nucleotide variant.
Coding change: c.4874A>G on transcript NM_007294.4 (MANE Select); coding-DNA position 4874, A replaced by G.
Protein change: p.Tyr1625Cys; replaces tyrosine 1625 with cysteine.
Molecular consequence: missense variant. On other transcripts: non-coding transcript variant (1).
Genome position (GRCh38, 1-based): chr17:43,071,040, T>C on the plus strand (A>G on the coding strand, the complement: BRCA1 is on the minus strand). VCF-style: chr17-43071040-T-C. GRCh37 (hg19) VCF-style: chr17-41223057-T-C.
Other names: p.Y1625C:TAT>TGT; c.4727A>G, p.Tyr1576Cys (NM_001407838.1, NM_001407839.1, NM_001407841.1 and 12 more transcripts); c.4874A>G, p.Tyr1625Cys (NM_001407854.1, NM_001407593.1, NM_001407594.1 and 8 more transcripts); c.4871A>G, p.Tyr1624Cys (NM_001407858.1, NM_001407859.1, NM_001407860.1 and 17 more transcripts); c.4868A>G, p.Tyr1623Cys (NM_001407861.1, NM_001407627.1, NM_001407628.1 and 14 more transcripts); c.4673A>G, p.Tyr1558Cys (NM_001407862.1); c.4748A>G, p.Tyr1583Cys (NM_001407863.1, NM_001407939.1, NM_001407940.1 and 11 more transcripts); c.4667A>G, p.Tyr1556Cys (NM_001407874.1, NM_001407875.1); and 71 more; short protein forms Y1625C, Y1578C, Y521C, Y1646C, Y1471C, Y1497C, Y1498C, Y1513C.
Identifiers: ClinVar variation 182164 (VCV000182164.12), dbSNP rs730881494, ClinGen allele CA003060.